The following is an entry in ClinVar:

NM_032888.4(COL27A1):c.4169G>C (p.Arg1390Pro)

Genes: COL27A1 (collagen type XXVII alpha 1 chain; plus strand), LOC126860736 (MED14-independent group 3 enhancer GRCh37_chr9:117050487-117051686; plus strand). Cytogenetic location: 9q32.
Variant type: single nucleotide variant.
Coding change: c.4169G>C on transcript NM_032888.4 (MANE Select); coding-DNA position 4169, G replaced by C.
Protein change: p.Arg1390Pro; replaces arginine 1390 with proline.
Molecular consequence: missense variant.
Genome position (GRCh38, 1-based): chr9:114,289,258, G>C. VCF-style: chr9-114289258-G-C. GRCh37 (hg19) VCF-style: chr9-117051538-G-C.
Other names: short protein forms R1390P.
Identifiers: ClinVar variation 2155768 (VCV002155768.4), dbSNP rs770455470, ClinGen allele CA5202843.

ClinVar aggregate classification (germline): Uncertain significance (1 of 4 stars; one submission).

gnomAD v4.1: 4 of 1,588,010 alleles (0.00025%); highest among the groups gnomAD compares: African/African-American, 0.0013%; no homozygotes.

Submission:

Labcorp Genetics (formerly Invitae), Labcorp
Classification: Uncertain significance. Last evaluated: 2025-04-17. Review status: criteria provided, single submitter. Criteria: Invitae Variant Classification Sherloc (09022015). Collection method: clinical testing. Allele origin: germline.
Comment: This sequence change replaces arginine, which is basic and polar, with proline, which is neutral and non-polar, at codon 1390 of the COL27A1 protein (p.Arg1390Pro). This variant is not present in population databases (gnomAD no frequency). This variant has not been reported in the literature in individuals affected with COL27A1-related conditions. ClinVar contains an entry for this variant (Variation ID: 2155768). Invitae Evidence Modeling of protein sequence and biophysical properties (such as structural, functional, and spatial information, amino acid conservation, physicochemical variation, residue mobility, and thermodynamic stability) indicates that this missense variant is not expected to disrupt COL27A1 protein function with a negative predictive value of 80%. In summary, the available evidence is currently insufficient to determine the role of this variant in disease. Therefore, it has been classified as a Variant of Uncertain Significance.